The following is an entry in ClinVar:

ClinVar aggregate classification (germline): Pathogenic (1 of 4 stars; one submission).

Submission:

GeneDx
Classification: Pathogenic. Last evaluated: 2019-02-21. Review status: criteria provided, single submitter. Criteria: GeneDx Variant Classification (06012015). Collection method: clinical testing. Allele origin: germline. Affected: yes.
Comment: The C2809X variant in the SRCAP gene has not been reported previously as a pathogenic variant nor as a benign variant, to our knowledge. This nonsense variant in the C-terminus is predicted to result in protein truncation, as the last 422 amino acids are lost. The C2809X variant is not observed in large population cohorts (Lek et al., 2016). We interpret C2809X as a pathogenic variant.

NM_006662.3(SRCAP):c.8427T>A (p.Cys2809Ter)

Gene: SRCAP (Snf2 related CREBBP activator protein; plus strand). Cytogenetic location: 16p11.2.
Variant type: single nucleotide variant.
Coding change: c.8427T>A on transcript NM_006662.3 (MANE Select); coding-DNA position 8427, T replaced by A.
Protein change: p.Cys2809Ter; replaces cysteine 2809 with a stop codon.
Molecular consequence: nonsense.
Genome position (GRCh38, 1-based): chr16:30,738,467, T>A. VCF-style: chr16-30738467-T-A. GRCh37 (hg19) VCF-style: chr16-30749788-T-A.
Other names: short protein forms C2809*.
Identifiers: ClinVar variation 816969 (VCV000816969.1), dbSNP rs1596669232, ClinGen allele CA395637505.